The following is an entry in ClinVar:

NM_001148.6(ANK2):c.8041C>G (p.Leu2681Val)

Gene: ANK2 (ankyrin 2; plus strand). Cytogenetic location: 4q26.
Variant type: single nucleotide variant.
Coding change: c.8041C>G on transcript NM_001148.6 (MANE Select); coding-DNA position 8041, C replaced by G.
Protein change: p.Leu2681Val; replaces leucine 2681 with valine.
Molecular consequence: missense variant. On other transcripts: intron variant (68).
Genome position (GRCh38, 1-based): chr4:113,356,659, C>G. VCF-style: chr4-113356659-C-G. GRCh37 (hg19) VCF-style: chr4-114277815-C-G.
Other names: c.7807C>G, p.Leu2603Val (NM_001386142.1); c.4441C>G, p.Leu1481Val (NM_001386166.1); c.8182C>G, p.Leu2728Val (NM_001386174.1); c.8158C>G, p.Leu2720Val (NM_001386175.1); c.4412-4164C>G (NM_001386186.2, NM_001386148.2); c.4214-4164C>G (NM_001354269.3); c.4292-4164C>G (NM_001386187.2); c.4253-4164C>G (NM_001386147.1); and 35 more; short protein forms L2681V, L1481V, L2603V, L2720V, L2728V.
Identifiers: ClinVar variation 450221 (VCV000450221.9), dbSNP rs1489919946, ClinGen allele CA357932913.

ClinVar aggregate classification (germline): Conflicting classifications of pathogenicity. Review status: criteria provided, conflicting classifications (1 of 4 stars). 3 submissions from 3 submitters: Uncertain significance (2); Likely benign (1). Last evaluated 2026-01-12.

Conditions:
Cardiovascular phenotype. Identifiers: MedGen CN230736.
Long QT syndrome (LQTS). Identifiers: MedGen C0023976, MeSH D008133, MONDO:0002442. Disease mechanism: loss of function. Inheritance: Various modes of inheritance.

Allele frequency attached by ClinVar (database versions not stated): TOPMed 0.00002; gnomAD 0.00003 and 0.00004.
gnomAD v4.1: 5 of 1,613,992 alleles (0.00031%); highest among the groups gnomAD compares: African/African-American, 0.0067%; no homozygotes.

Submissions (3):

Labcorp Genetics (formerly Invitae), Labcorp
Classification: Uncertain significance for Long QT syndrome. Last evaluated: 2026-01-12. Review status: criteria provided, single submitter. Criteria: Invitae Variant Classification Sherloc (09022015). Collection method: clinical testing. Allele origin: germline.
Comment: This sequence change replaces leucine, which is neutral and non-polar, with valine, which is neutral and non-polar, at codon 2681 of the ANK2 protein (p.Leu2681Val). This variant is present in population databases (no rsID available, gnomAD 0.01%). This missense change has been observed in individual(s) with sudden unexplained death (PMID: 29247119). ClinVar contains an entry for this variant (Variation ID: 450221). An algorithm developed to predict the effect of missense changes on protein structure and function (PolyPhen-2) suggests that this variant is likely to be disruptive. In summary, the available evidence is currently insufficient to determine the role of this variant in disease. Therefore, it has been classified as a Variant of Uncertain Significance.

Ambry Genetics
Classification: Likely benign for Cardiovascular phenotype. Last evaluated: 2020-05-26. Review status: criteria provided, single submitter. Criteria: Ambry Variant Classification Scheme 2023. Collection method: clinical testing. Allele origin: germline.

GeneDx
Classification: Uncertain significance. Last evaluated: 2017-07-07. Review status: criteria provided, single submitter. Criteria: GeneDx Variant Classification (06012015). Collection method: clinical testing. Allele origin: germline. Affected: yes.
Comment: A variant of uncertain significance has been identified in the ANK2 gene. The L2681V variant has not been published as pathogenic or been reported as benign to our knowledge. This variant is also not observed in large population cohorts (Lek et al., 2016; 1000 Genomes Consortium et al., 2015; Exome Variant Server). However, although this substitution occurs at a position that is conserved in mammals, L2681V variant is a conservative amino acid substitution, which is not likely to impact secondary protein structure as these residues share similar properties. Additionally, in silico analysis is inconsistent in its predictions as to whether or not the variant is damaging to the protein structure/function.

Literature cited by the submitters: PubMed 29247119 (cited by Labcorp Genetics (formerly Invitae), Labcorp and Ambry Genetics).